The following is an entry in ClinVar:

ClinVar aggregate classification (germline): Uncertain significance (1 of 4 stars; one submission).

Allele frequency attached by ClinVar (database versions not stated): gnomAD exomes below 0.00001; TOPMed below 0.00001; ExAC 0.00001; ESP Exome Variant Server 0.00008.

Submission:

Labcorp Genetics (formerly Invitae), Labcorp
Classification: Uncertain significance. Last evaluated: 2021-03-24. Review status: criteria provided, single submitter. Criteria: Invitae Variant Classification Sherloc (09022015). Collection method: clinical testing. Allele origin: germline.
Comment: In summary, the available evidence is currently insufficient to determine the role of this variant in disease. Therefore, it has been classified as a Variant of Uncertain Significance. Algorithms developed to predict the effect of missense changes on protein structure and function are either unavailable or do not agree on the potential impact of this missense change (SIFT: "Deleterious"; PolyPhen-2: "Probably Damaging"; Align-GVGD: "Class C0"). This variant has not been reported in the literature in individuals with ADAM9-related conditions. This variant is present in population databases (rs367628862, ExAC 0.01%). This sequence change replaces histidine with tyrosine at codon 347 of the ADAM9 protein (p.His347Tyr). The histidine residue is highly conserved and there is a moderate physicochemical difference between histidine and tyrosine.

NM_003816.3(ADAM9):c.1039C>T (p.His347Tyr)

Gene: ADAM9 (ADAM metallopeptidase domain 9; plus strand). Cytogenetic location: 8p11.22.
Variant type: single nucleotide variant.
Coding change: c.1039C>T on transcript NM_003816.3 (MANE Select); coding-DNA position 1039, C replaced by T.
Protein change: p.His347Tyr; replaces histidine 347 with tyrosine.
Molecular consequence: missense variant. On other transcripts: non-coding transcript variant (3).
Genome position (GRCh38, 1-based): chr8:39,026,719, C>T. VCF-style: chr8-39026719-C-T. GRCh37 (hg19) VCF-style: chr8-38884238-C-T.
Other names: short protein forms H347Y.
Identifiers: ClinVar variation 1518928 (VCV001518928.8), dbSNP rs367628862, ClinGen allele CA4721518.